The following is an entry in ClinVar:

ClinVar aggregate classification (germline): Conflicting classifications of pathogenicity. Review status: criteria provided, conflicting classifications (1 of 4 stars). 3 submissions from 3 submitters: Uncertain significance (1); Likely benign (2). Last evaluated 2023-03-23.

Conditions:
Hereditary breast ovarian cancer syndrome. Also called: Hereditary breast and/or ovarian cancer syndrome; BRCA1- and BRCA2-Associated Hereditary Breast and Ovarian Cancer; Hereditary breast and ovarian cancer syndrome; Hereditary breast and ovarian cancer; Hereditary breast and ovarian cancer syndrome (HBOC); Breast and ovarian cancer. Identifiers: Orphanet 145, MedGen C0677776, MeSH D061325, MONDO:0003582. Disease mechanism: loss of function.
Hereditary cancer-predisposing syndrome. Also called: Neoplastic Syndromes, Hereditary; Tumor predisposition; Hereditary Cancer Syndrome; Hereditary neoplastic syndrome. Identifiers: Orphanet 140162, MedGen C0027672, MeSH D009386, MONDO:0015356.

Allele frequency attached by ClinVar (database versions not stated): gnomAD exomes below 0.00001; TOPMed below 0.00001; gnomAD 0.00001.
gnomAD v4.1: 3 of 1,611,934 alleles (0.00019%); highest among the groups gnomAD compares: Non-Finnish European, 0.00025%; no homozygotes.

Submissions (3):

University of Washington Department of Laboratory Medicine, University of Washington
Classification: Likely benign for Hereditary cancer-predisposing syndrome. Last evaluated: 2023-03-23. Review status: criteria provided, single submitter. Criteria: Dines et al. (Genet Med. 2020). Collection method: curation. Allele origin: germline.
Comment: Missense variant in a coldspot region where missense variants are very unlikely to be pathogenic (PMID:31911673).

BRCA2 exon 10 coldspot. Reclassification based on statistical prior probability.

Labcorp Genetics (formerly Invitae), Labcorp
Classification: Uncertain significance for Hereditary breast ovarian cancer syndrome. Last evaluated: 2022-02-18. Review status: criteria provided, single submitter. Criteria: Invitae Variant Classification Sherloc (09022015). Collection method: clinical testing. Allele origin: germline.
Comment: This sequence change replaces asparagine, which is neutral and polar, with lysine, which is basic and polar, at codon 588 of the BRCA2 protein (p.Asn588Lys). In summary, the available evidence is currently insufficient to determine the role of this variant in disease. Therefore, it has been classified as a Variant of Uncertain Significance. Algorithms developed to predict the effect of missense changes on protein structure and function output the following: SIFT: "Tolerated"; PolyPhen-2: "Benign"; Align-GVGD: "Class C0". The lysine amino acid residue is found in multiple mammalian species, which suggests that this missense change does not adversely affect protein function. ClinVar contains an entry for this variant (Variation ID: 820012). This variant has not been reported in the literature in individuals affected with BRCA2-related conditions. This variant is present in population databases (no rsID available, gnomAD 0.0009%).

Ambry Genetics
Classification: Likely benign for Hereditary cancer-predisposing syndrome. Last evaluated: 2019-06-19. Review status: criteria provided, single submitter. Criteria: Ambry Variant Classification Scheme 2023. Collection method: clinical testing. Allele origin: germline.

NM_000059.4(BRCA2):c.1764T>G (p.Asn588Lys)

Gene: BRCA2 (BRCA2 DNA repair associated; plus strand). Cytogenetic location: 13q13.1.
Variant type: single nucleotide variant.
Coding change: c.1764T>G on transcript NM_000059.4 (MANE Select); coding-DNA position 1764, T replaced by G.
Protein change: p.Asn588Lys; replaces asparagine 588 with lysine.
Molecular consequence: missense variant.
Genome position (GRCh38, 1-based): chr13:32,333,242, T>G. VCF-style: chr13-32333242-T-G. GRCh37 (hg19) VCF-style: chr13-32907379-T-G.
Other names: short protein forms N588K.
Identifiers: ClinVar variation 820012 (VCV000820012.11), dbSNP rs1235065739, ClinGen allele CA387765599.